The following is an entry in ClinVar:

NC_000002.11:g.(?_212812135)_(212812361_?)del

Gene: ERBB4 (erb-b2 receptor tyrosine kinase 4; minus strand). Cytogenetic location: 2q34.
Variant type: Deletion.
Identifiers: ClinVar variation 1375037 (VCV001375037.4).

ClinVar aggregate classification (germline): Uncertain significance (1 of 4 stars; one submission).

Submission:

Labcorp Genetics (formerly Invitae), Labcorp
Classification: Uncertain significance. Last evaluated: 2021-07-26. Review status: criteria provided, single submitter. Criteria: Invitae Variant Classification Sherloc (09022015). Collection method: clinical testing. Allele origin: germline.
Comment: In summary, the available evidence is currently insufficient to determine the role of this variant in disease. Therefore, it has been classified as a Variant of Uncertain Significance. This variant has not been reported in the literature in individuals affected with ERBB4-related conditions. This variant is a gross deletion of the genomic region encompassing exon(s) 3 of the ERBB4 gene. This deletion is out-of-frame, and is expected to create a premature translational stop signal and result in an absent or disrupted protein product. However, the current clinical and genetic evidence is not sufficient to establish whether loss-of-function variants in ERBB4 cause disease.